The following is an entry in ClinVar:

NM_001621.5(AHR):c.1328C>T (p.Thr443Ile)

Gene: AHR (aryl hydrocarbon receptor; plus strand). Cytogenetic location: 7p21.1.
Variant type: single nucleotide variant.
Coding change: c.1328C>T on transcript NM_001621.5 (MANE Select); coding-DNA position 1328, C replaced by T.
Protein change: p.Thr443Ile; replaces threonine 443 with isoleucine.
Molecular consequence: missense variant.
Genome position (GRCh38, 1-based): chr7:17,339,153, C>T. VCF-style: chr7-17339153-C-T. GRCh37 (hg19) VCF-style: chr7-17378777-C-T.
Other names: short protein forms T443I.
Identifiers: ClinVar variation 1365528 (VCV001365528.6), dbSNP rs2115369587, ClinGen allele CA366893772.

ClinVar aggregate classification (germline): Uncertain significance (1 of 4 stars; one submission).

Allele frequency attached by ClinVar (database versions not stated): gnomAD exomes 0.00001.

Submission:

Labcorp Genetics (formerly Invitae), Labcorp
Classification: Uncertain significance. Last evaluated: 2024-02-24. Review status: criteria provided, single submitter. Criteria: Invitae Variant Classification Sherloc (09022015). Collection method: clinical testing. Allele origin: germline.
Comment: This sequence change replaces threonine, which is neutral and polar, with isoleucine, which is neutral and non-polar, at codon 443 of the AHR protein (p.Thr443Ile). This variant is not present in population databases (gnomAD no frequency). This variant has not been reported in the literature in individuals affected with AHR-related conditions. ClinVar contains an entry for this variant (Variation ID: 1365528). An algorithm developed to predict the effect of missense changes on protein structure and function (PolyPhen-2) suggests that this variant is likely to be tolerated. In summary, the available evidence is currently insufficient to determine the role of this variant in disease. Therefore, it has been classified as a Variant of Uncertain Significance.